The following is an entry in ClinVar:

NM_000426.4(LAMA2):c.8691A>G (p.Arg2897=)

Gene: LAMA2 (laminin subunit alpha 2; plus strand). Cytogenetic location: 6q22.33.
Variant type: single nucleotide variant.
Coding change: c.8691A>G on transcript NM_000426.4 (MANE Select); coding-DNA position 8691, A replaced by G.
Protein change: p.Arg2897=; no amino-acid change (arginine 2897 retained).
Molecular consequence: synonymous variant.
Genome position (GRCh38, 1-based): chr6:129,505,343, A>G. VCF-style: chr6-129505343-A-G. GRCh37 (hg19) VCF-style: chr6-129826488-A-G.
Other names: p.Arg2897=; c.8679A>G, p.Arg2893= (NM_001079823.2).
Identifiers: ClinVar variation 129446 (VCV000129446.21), dbSNP rs2228599, ClinGen allele CA153460.

ClinVar aggregate classification (germline): Benign. Review status: criteria provided, multiple submitters, no conflicts (2 of 4 stars). 6 submissions from 6 submitters: Benign (5). 1 of the submissions does not count toward it. Last evaluated 2026-02-04.

Conditions:
Merosin deficient congenital muscular dystrophy (MDC1A). Also called: Congenital merosin-deficient muscular dystrophy 1A; Congenital Muscular Dystrophy Type 1A (MDC1A). Identifiers: Orphanet 258, MedGen C1263858, MONDO:0011925, OMIM 607855.
Muscular dystrophy, limb-girdle, autosomal recessive 23. Identifiers: Orphanet 565837, MedGen C4748327, MONDO:0029136, OMIM 618138.
LAMA2-related muscular dystrophy (LAMA2-RD). Also called: Laminin alpha 2-related dystrophy. Identifiers: MedGen C5679788, MONDO:0100228.
Congenital muscular dystrophy due to partial LAMA2 deficiency. Identifiers: MedGen C1842898.

Allele frequency attached by ClinVar (database versions not stated): gnomAD exomes 0.00149 and 0.00407; ExAC 0.00487; gnomAD 0.01535 and 0.01648; ESP Exome Variant Server 0.01607; 1000 Genomes Project 30x 0.01749; TOPMed 0.01749; 1000 Genomes Project 0.01797.
gnomAD v4.1: 4,593 of 1,613,018 alleles (0.28%); highest among the groups gnomAD compares: African/African-American, 5.3%; 122 homozygotes.

Submissions (6):

Labcorp Genetics (formerly Invitae), Labcorp
Classification: Benign for LAMA2-related muscular dystrophy. Last evaluated: 2026-02-04. Review status: criteria provided, single submitter. Criteria: Invitae Variant Classification Sherloc (09022015). Collection method: clinical testing. Allele origin: germline.

Mayo Clinic Laboratories, Mayo Clinic
Classification: Benign. Last evaluated: 2023-06-21. Review status: criteria provided, single submitter. Criteria: ACMG Guidelines, 2015. Collection method: clinical testing. Allele origin: germline. Observed: 24 variant alleles.

Fulgent Genetics
Classification: Benign for Merosin deficient congenital muscular dystrophy; Muscular dystrophy, limb-girdle, autosomal recessive 23. Last evaluated: 2021-11-23. Review status: criteria provided, single submitter. Criteria: ACMG Guidelines, 2015. Collection method: clinical testing. Allele origin: unknown.

Illumina Laboratory Services, Illumina
Classification: Benign for Congenital muscular dystrophy due to partial LAMA2 deficiency. Last evaluated: 2018-01-12. Review status: criteria provided, single submitter. Criteria: ICSL Variant Classification Criteria 13 December 2019. Collection method: clinical testing. Allele origin: germline.
Comment: This variant was observed in the ICSL laboratory as part of a predisposition screen in an ostensibly healthy population. It had not been previously curated by ICSL or reported in the Human Gene Mutation Database (HGMD: prior to June 1st, 2018), and was therefore a candidate for classification through an automated scoring system. Utilizing variant allele frequency, disease prevalence and penetrance estimates, and inheritance mode, an automated score was calculated to assess if this variant is too frequent to cause the disease. Based on the score and internal cut-off values, a variant classified as benign is not then subjected to further curation. The score for this variant resulted in a classification of benign for this disease.

GeneDx
Classification: Benign. Last evaluated: 2016-06-03. Review status: criteria provided, single submitter. Criteria: GeneDx Variant Classification (06012015). Collection method: clinical testing. Allele origin: germline. Affected: yes.
Comment: This variant is considered likely benign or benign based on one or more of the following criteria: it is a conservative change, it occurs at a poorly conserved position in the protein, it is predicted to be benign by multiple in silico algorithms, and/or has population frequency not consistent with disease.

Genetic Services Laboratory, University of Chicago
Classification: Likely benign for AllHighlyPenetrant. Review status: no assertion criteria provided. Collection method: clinical testing. Allele origin: germline. Inheritance: Autosomal recessive inheritance. Not counted in ClinVar's aggregate classification.
Comment: Likely benign based on allele frequency in 1000 Genomes Project or ESP global frequency and its presence in a patient with a rare or unrelated disease phenotype. NOT Sanger confirmed.